The following is an entry in ClinVar:

ClinVar aggregate classification (germline): Uncertain significance. Review status: criteria provided, multiple submitters, no conflicts (2 of 4 stars). 2 submissions from 2 submitters: Uncertain significance (2). Last evaluated 2026-07-07.

Conditions:
Monocytopenia with susceptibility to infections. Also called: MONOCYTOPENIA AND MYCOBACTERIAL INFECTION SYNDROME; MONOCYTOPENIA WITH SUSCEPTIBILITY TO MYCOBACTERIAL, FUNGAL, AND PAPILLOMAVIRUS INFECTIONS AND MYELODYSPLASIA; COMBINED IMMUNODEFICIENCY WITH SUSCEPTIBILITY TO MYCOBACTERIAL, VIRAL, AND FUNGAL INFECTIONS; Dendritic cell, monocyte, B lymphocyte, and natural killer lymphocyte deficiency; IMMUNODEFICIENCY 21; GATA2 DEFICIENCY. Identifiers: Orphanet 228423, MedGen C3280030, MONDO:0013607, OMIM 614172.
Deafness-lymphedema-leukemia syndrome. Also called: Lymphedema, primary, with myelodysplasia; Emberger syndrome. Identifiers: Orphanet 3226, MedGen C3279664, MONDO:0013540, OMIM 614038.
Inborn genetic diseases. Identifiers: MedGen C0950123, MeSH D030342.

Submissions (2):

Ambry Genetics
Classification: Uncertain significance for Inborn genetic diseases. Last evaluated: 2026-07-07. Review status: criteria provided, single submitter. Criteria: Ambry Variant Classification Scheme 2023. Collection method: clinical testing. Allele origin: germline.
Comment: The p.H169Y variant (also known as c.505C>T), located in coding exon 2 of the GATA2 gene, results from a C to T substitution at nucleotide position 505. The histidine at codon 169 is replaced by tyrosine, an amino acid with similar properties. This amino acid position is conserved. In addition, the in silico prediction for this alteration is inconclusive. Based on the available evidence, the clinical significance of this variant remains unclear.

Labcorp Genetics (formerly Invitae), Labcorp
Classification: Uncertain significance for Monocytopenia with susceptibility to infections; Deafness-lymphedema-leukemia syndrome. Last evaluated: 2025-08-25. Review status: criteria provided, single submitter. Criteria: Invitae Variant Classification Sherloc (09022015). Collection method: clinical testing. Allele origin: germline.
Comment: This sequence change replaces histidine, which is basic and polar, with tyrosine, which is neutral and polar, at codon 169 of the GATA2 protein (p.His169Tyr). This variant is not present in population databases (gnomAD no frequency). This variant has not been reported in the literature in individuals affected with GATA2-related conditions. Invitae Evidence Modeling of protein sequence and biophysical properties (such as structural, functional, and spatial information, amino acid conservation, physicochemical variation, residue mobility, and thermodynamic stability) has been performed for this missense variant. However, the output from this modeling did not meet the statistical confidence thresholds required to predict the impact of this variant on GATA2 protein function. In summary, the available evidence is currently insufficient to determine the role of this variant in disease. Therefore, it has been classified as a Variant of Uncertain Significance.

NM_032638.5(GATA2):c.505C>T (p.His169Tyr)

Gene: GATA2 (GATA binding protein 2; minus strand). Cytogenetic location: 3q21.3.
Variant type: single nucleotide variant.
Coding change: c.505C>T on transcript NM_032638.5 (MANE Select); coding-DNA position 505, C replaced by T.
Protein change: p.His169Tyr; replaces histidine 169 with tyrosine.
Molecular consequence: missense variant.
Genome position (GRCh38, 1-based): chr3:128,486,093, G>A on the plus strand (C>T on the coding strand, the complement: GATA2 is on the minus strand). VCF-style: chr3-128486093-G-A. GRCh37 (hg19) VCF-style: chr3-128204936-G-A.
Other names: c.505C>T, p.His169Tyr (NM_001145661.2, NM_001145662.1); short protein forms H169Y.
Identifiers: ClinVar variation 4782943 (VCV004782943.2).
Genomic context (GRCh38, chr3:128,486,093, plus strand): 5'-CCGTGGTGCTAGGGTCAGGAGACACTTCTTTGGGTGGCGTGGGTGGGAAGCCGAAAAGGT[G>A]GGAGCCAGAGTGGGCTGCTGTAGGGGTGAGGGAGGCCACTGAGCTCCCGCTGCCTCCCCC-3'
Protein context (NP_116027.2, residues 159-179): LTPTAAHSGS[His169Tyr]LFGFPPTPPK